The following is an entry in ClinVar:

ClinVar aggregate classification (germline): Uncertain significance (1 of 4 stars; one submission).

Conditions:
PRPH2-related disorder. Also called: PRPH2-related condition; PRPH2-related disorders. Identifiers: MedGen CN239395.

Submission:

Labcorp Genetics (formerly Invitae), Labcorp
Classification: Uncertain significance for PRPH2-related disorder. Last evaluated: 2022-08-15. Review status: criteria provided, single submitter. Criteria: Invitae Variant Classification Sherloc (09022015). Collection method: clinical testing. Allele origin: germline.
Comment: In summary, the available evidence is currently insufficient to determine the role of this variant in disease. Therefore, it has been classified as a Variant of Uncertain Significance. Advanced modeling of protein sequence and biophysical properties (such as structural, functional, and spatial information, amino acid conservation, physicochemical variation, residue mobility, and thermodynamic stability) performed at Invitae indicates that this missense variant is not expected to disrupt PRPH2 protein function. This variant has not been reported in the literature in individuals affected with PRPH2-related conditions. This variant is not present in population databases (gnomAD no frequency). This sequence change replaces serine, which is neutral and polar, with threonine, which is neutral and polar, at codon 311 of the PRPH2 protein (p.Ser311Thr).

NM_000322.5(PRPH2):c.932G>C (p.Ser311Thr)

Gene: PRPH2 (peripherin 2; minus strand). Cytogenetic location: 6p21.1.
Variant type: single nucleotide variant.
Coding change: c.932G>C on transcript NM_000322.5 (MANE Select); coding-DNA position 932, G replaced by C.
Protein change: p.Ser311Thr; replaces serine 311 with threonine.
Molecular consequence: missense variant.
Genome position (GRCh38, 1-based): chr6:42,698,404, C>G on the plus strand (G>C on the coding strand, the complement: PRPH2 is on the minus strand). VCF-style: chr6-42698404-C-G. GRCh37 (hg19) VCF-style: chr6-42666142-C-G.
Other names: short protein forms S311T.
Identifiers: ClinVar variation 2128466 (VCV002128466.4), dbSNP rs1799986847, ClinGen allele CA364133062.